The following is an entry in ClinVar:

ClinVar aggregate classification (germline): Uncertain significance (1 of 4 stars; one submission).

Conditions:
RYR1-related disorder. Also called: RYR1-related disorders; RYR1-related condition. Identifiers: MedGen CN239331.

gnomAD v4.1: 11 of 1,613,790 alleles (0.00068%); highest among the groups gnomAD compares: South Asian, 0.0011%; no homozygotes.

Submission:

PreventionGenetics, part of Exact Sciences
Classification: Uncertain significance for RYR1-related condition. Last evaluated: 2026-08-11. Review status: criteria provided, single submitter. Criteria: ACMG Guidelines, 2015. Collection method: clinical testing. Allele origin: germline.
Comment: The RYR1 c.2769G>A variant is predicted to result in the amino acid substitution p.Met923Ile. To our knowledge, this variant has not been reported in the literature. This variant is reported in 0.0062% of alleles in individuals of African descent in gnomAD. At this time, the clinical significance of this variant is uncertain due to the absence of conclusive functional and genetic evidence.

NM_000540.3(RYR1):c.2769G>A (p.Met923Ile)

Gene: RYR1 (ryanodine receptor 1; plus strand). Cytogenetic location: 19q13.2.
Variant type: single nucleotide variant.
Coding change: c.2769G>A on transcript NM_000540.3 (MANE Select); coding-DNA position 2769, G replaced by A.
Protein change: p.Met923Ile; replaces methionine 923 with isoleucine.
Molecular consequence: missense variant.
Genome position (GRCh38, 1-based): chr19:38,463,833, G>A. VCF-style: chr19-38463833-G-A. GRCh37 (hg19) VCF-style: chr19-38954473-G-A.
Other names: c.2769G>A, p.Met923Ile (NM_001042723.2); short protein forms M923I.
Identifiers: ClinVar variation 4988043 (VCV004988043.1).